The following is an entry in ClinVar:

NM_002547.3(OPHN1):c.934-2del

Gene: OPHN1 (oligophrenin 1; minus strand). Cytogenetic location: Xq12.
Variant type: Deletion.
Coding change: c.934-2del on transcript NM_002547.3 (MANE Select); the canonical splice acceptor site of the intron before coding-DNA position 934, one base deleted (A; older notation c.934-2delA).
Molecular consequence: splice acceptor variant.
Genome position (GRCh38, 1-based): chrX:68,201,712, T deleted on the plus strand (A on the coding strand, the reverse complement: OPHN1 is on the minus strand). VCF-style (leftmost placement, unchanged base first): chrX-68201711-CT-C. GRCh37 (hg19) VCF-style: chrX-67421553-CT-C.
Identifiers: ClinVar variation 3344263 (VCV003344263.1).
Genomic context (GRCh38, chrX:68,201,711, plus strand): 5'-CTTGTCGATAGACTCCGTCTTCCTTCTCACACAGTACTTCAGTGTTAAGTCCAAGGGCCC[CT>C]GATATGAAACAAGAATTAACAGGCAATTTTTAAAAAAAGACACAGAAGCTGTTTCTGCTT-3'

ClinVar aggregate classification (germline): Likely pathogenic (0 of 4 stars; one submission).

Conditions:
OPHN1-related disorder.

Submission:

PreventionGenetics, part of Exact Sciences
Classification: Likely pathogenic for OPHN1-related condition. Last evaluated: 2024-09-18. Review status: no assertion criteria provided. Collection method: clinical testing. Allele origin: germline.
Comment: The OPHN1 c.934-2delA variant is predicted to result in a deletion affecting a canonical splice site. To our knowledge, this variant has not been reported in the literature or in a large population database, indicating this variant is rare. This variant is interpreted as likely pathogenic.